The following is an entry in ClinVar:

ClinVar aggregate classification (germline): Uncertain significance (1 of 4 stars; one submission).

Submission:

Labcorp Genetics (formerly Invitae), Labcorp
Classification: Uncertain significance. Last evaluated: 2025-02-06. Review status: criteria provided, single submitter. Criteria: Invitae Variant Classification Sherloc (09022015). Collection method: clinical testing. Allele origin: germline.
Comment: This sequence change replaces proline, which is neutral and non-polar, with threonine, which is neutral and polar, at codon 143 of the COL9A3 protein (p.Pro143Thr). This variant is not present in population databases (gnomAD no frequency). This variant has not been reported in the literature in individuals affected with COL9A3-related conditions. Invitae Evidence Modeling of protein sequence and biophysical properties (such as structural, functional, and spatial information, amino acid conservation, physicochemical variation, residue mobility, and thermodynamic stability) indicates that this missense variant is not expected to disrupt COL9A3 protein function with a negative predictive value of 95%. In summary, the available evidence is currently insufficient to determine the role of this variant in disease. Therefore, it has been classified as a Variant of Uncertain Significance.

NM_001853.4(COL9A3):c.427C>A (p.Pro143Thr)

Gene: COL9A3 (collagen type IX alpha 3 chain; plus strand). Cytogenetic location: 20q13.33.
Variant type: single nucleotide variant.
Coding change: c.427C>A on transcript NM_001853.4 (MANE Select); coding-DNA position 427, C replaced by A.
Protein change: p.Pro143Thr; replaces proline 143 with threonine.
Molecular consequence: missense variant.
Genome position (GRCh38, 1-based): chr20:62,822,114, C>A. VCF-style: chr20-62822114-C-A. GRCh37 (hg19) VCF-style: chr20-61453466-C-A.
Other names: short protein forms P143T.
Identifiers: ClinVar variation 4803129 (VCV004803129.1).